The following is an entry in ClinVar:

NM_002691.4(POLD1):c.1932C>T (p.Asp644=)

Gene: POLD1 (DNA polymerase delta 1, catalytic subunit; plus strand). Cytogenetic location: 19q13.33.
Variant type: single nucleotide variant.
Coding change: c.1932C>T on transcript NM_002691.4 (MANE Select); coding-DNA position 1932, C replaced by T.
Protein change: p.Asp644=; no amino-acid change (aspartic acid 644 retained).
Molecular consequence: synonymous variant. On other transcripts: non-coding transcript variant (1).
Genome position (GRCh38, 1-based): chr19:50,409,161, C>T. VCF-style: chr19-50409161-C-T. GRCh37 (hg19) VCF-style: chr19-50912418-C-T.
Other names: c.1932C>T, p.Asp644= (NM_001256849.1); c.2010C>T, p.Asp670= (NM_001308632.1).
Identifiers: ClinVar variation 239261 (VCV000239261.34), dbSNP rs80214209, ClinGen allele CA9596333.
Genomic context (GRCh38, chr19:50,409,161, plus strand): 5'-CCCCAACATCTTCCAACCCAGCCTGACTGAGGATCAGTTCATCAGGACCCCCACCGGGGA[C>T]GAGTTTGTGAAGACCTCAGTGCGGAAGGGGCTGCTGCCCCAGATCCTGGAGAACCTGCTC-3'
Protein context (NP_002682.2, residues 634-654): EDQFIRTPTG[Asp644=]EFVKTSVRKG

ClinVar aggregate classification (germline): Benign/Likely benign. Review status: criteria provided, multiple submitters, no conflicts (2 of 4 stars). 7 submissions from 7 submitters: Benign (2); Likely benign (4). 1 of the submissions does not count toward it. Last evaluated 2026-02-03.

Conditions:
POLD1-related disorder. Also called: POLD1-related condition; POLD1-related disorders.
Hereditary cancer-predisposing syndrome. Also called: Tumor predisposition; Hereditary Cancer Syndrome; Neoplastic Syndromes, Hereditary; Hereditary neoplastic syndrome. Identifiers: Orphanet 140162, MedGen C0027672, MeSH D009386, MONDO:0015356.
POLD1-related polyposis and colorectal cancer syndrome (CRCS10). Also called: Colorectal cancer 10; COLORECTAL CANCER, SUSCEPTIBILITY TO, ON CHROMOSOME 19q; Colorectal cancer, susceptibility to, 10. Identifiers: Orphanet 220460, MedGen C2675481, MONDO:0012953, OMIM 612591.

Allele frequency attached by ClinVar (database versions not stated): 1000 Genomes Project 30x 0.00031.
gnomAD v4.1: 73 of 1,613,636 alleles (0.0045%); highest among the groups gnomAD compares: South Asian, 0.071%; 1 homozygote.

Submissions (7):

Labcorp Genetics (formerly Invitae), Labcorp
Classification: Benign for POLD1-related polyposis and colorectal cancer syndrome. Last evaluated: 2026-02-03. Review status: criteria provided, single submitter. Criteria: Invitae Variant Classification Sherloc (09022015). Collection method: clinical testing. Allele origin: germline.

CeGaT Center for Human Genetics Tuebingen
Classification: Likely benign. Last evaluated: 2025-06-01. Review status: criteria provided, single submitter. Criteria: CeGaT Center For Human Genetics Tuebingen Variant Classification Criteria Version 2. Collection method: clinical testing. Allele origin: germline. Affected: yes. Observed: 1 variant allele.
Comment: POLD1: BP4, BP7

KCCC/NGS Laboratory, Kuwait Cancer Control Center
Classification: Benign for POLD1-related polyposis and colorectal cancer syndrome. Last evaluated: 2025-02-01. Review status: criteria provided, single submitter. Criteria: ACMG Guidelines, 2015. Collection method: clinical testing. Allele origin: germline. Affected: no.

GeneDx
Classification: Likely benign. Last evaluated: 2021-01-25. Review status: criteria provided, single submitter. Criteria: GeneDx Variant Classification Process June 2021. Collection method: clinical testing. Allele origin: germline. Affected: yes.

Genetic Services Laboratory, University of Chicago
Classification: Likely benign. Last evaluated: 2019-04-22. Review status: criteria provided, single submitter. Criteria: ACMG Guidelines, 2015. Collection method: clinical testing. Allele origin: germline. Affected: no.

Ambry Genetics
Classification: Likely benign for Hereditary cancer-predisposing syndrome. Last evaluated: 2016-01-29. Review status: criteria provided, single submitter. Criteria: Ambry Variant Classification Scheme 2023. Collection method: clinical testing. Allele origin: germline.

PreventionGenetics, part of Exact Sciences
Classification: Likely benign for POLD1-related condition. Last evaluated: 2019-12-13. Review status: no assertion criteria provided. Collection method: clinical testing. Allele origin: germline. Not counted in ClinVar's aggregate classification.
Comment: This variant is classified as likely benign based on ACMG/AMP sequence variant interpretation guidelines (Richards et al. 2015 PMID: 25741868, with internal and published modifications).